The following is an entry in ClinVar:

NM_007294.4(BRCA1):c.38A>T (p.Asn13Ile)

Gene: BRCA1 (BRCA1 DNA repair associated; minus strand). Cytogenetic location: 17q21.31.
Variant type: single nucleotide variant.
Coding change: c.38A>T on transcript NM_007294.4 (MANE Select); coding-DNA position 38, A replaced by T.
Protein change: p.Asn13Ile; replaces asparagine 13 with isoleucine.
Molecular consequence: missense variant. On other transcripts: 5 prime UTR variant (1), non-coding transcript variant (1).
Genome position (GRCh38, 1-based): chr17:43,124,059, T>A on the plus strand (A>T on the coding strand, the complement: BRCA1 is on the minus strand). VCF-style: chr17-43124059-T-A. GRCh37 (hg19) VCF-style: chr17-41276076-T-A.
Other names: c.38A>T, p.Asn13Ile (NM_001408421.1, NM_001408422.1, NM_001408423.1 and 193 more transcripts); c.-223A>T (NM_001408452.1, NM_001408462.1, NM_001408463.1 and 22 more transcripts); c.-50A>T (NM_001408454.1, NM_001408459.1, NM_001408460.1 and 23 more transcripts); c.-220A>T (NM_001408455.1, NM_001408456.1, NM_001408468.1 and 11 more transcripts); c.-224A>T (NM_001408465.1, NM_001407695.1); c.-151A>T (NM_001408478.1, NM_001408479.1, NM_001408480.1 and 46 more transcripts); c.-296A>T (NM_001408482.1); c.-267A>T (NM_001408492.1, NM_001407889.1); and 8 more; short protein forms N13I.
Identifiers: ClinVar variation 869088 (VCV000869088.3), dbSNP rs2055733986, ClinGen allele CA10602083.

Conditions:
Breast-ovarian cancer, familial, susceptibility to, 1 (BROVCA1). Also called: BRCA1 Hereditary Breast and Ovarian Cancer; OVARIAN CANCER, SUSCEPTIBILITY TO. Identifiers: Orphanet 145, MedGen C2676676, MONDO:0011450, OMIM 604370. Disease mechanism: loss of function.

Submission:

Brotman Baty Institute, University of Washington
No classification provided (evidence only). Condition: Breast-ovarian cancer, familial 1. Review status: no classification provided. Collection method: in vitro. Allele origin: not applicable. Functional consequence: functionally_normal.
ClinVar note: "not provided" was previously submitted as the classification for the variant. However, the classification appeared to be based only on an observation of functional data so it was converted to no classification on 2025-07-30.